The following is an entry in ClinVar:

NM_032193.4(RNASEH2C):c.245A>G (p.Tyr82Cys)

Gene: RNASEH2C (ribonuclease H2 subunit C; minus strand). Cytogenetic location: 11q13.1.
Variant type: single nucleotide variant.
Coding change: c.245A>G on transcript NM_032193.4 (MANE Select); coding-DNA position 245, A replaced by G.
Protein change: p.Tyr82Cys; replaces tyrosine 82 with cysteine.
Molecular consequence: missense variant.
Genome position (GRCh38, 1-based): chr11:65,720,345, T>C on the plus strand (A>G on the coding strand, the complement: RNASEH2C is on the minus strand). VCF-style: chr11-65720345-T-C. GRCh37 (hg19) VCF-style: chr11-65487816-T-C.
Other names: short protein forms Y82C.
Identifiers: ClinVar variation 1486367 (VCV001486367.5), dbSNP rs2135653148, ClinGen allele CA381298930.
Genomic context (GRCh38, chr11:65,720,345, plus strand): 5'-GAATCCCGCAAGGGGTCTGGCTTCCCCATCGACACCTTCTTCTCTTCTGTCACCATCACG[T>C]ATCCCACGAGGCCAGGCGGCACCGCCACCTCCTCTCCCCGTAGACAGCGGCCCCGAAACG-3'
Protein context (NP_115569.2, residues 72-92): EVAVPPGLVG[Tyr82Cys]VMVTEEKKVS

ClinVar aggregate classification (germline): Uncertain significance (1 of 4 stars; one submission).

Conditions:
Aicardi-Goutieres syndrome 3. Identifiers: Orphanet 51, MedGen C1835916, MONDO:0012471, OMIM 610329.

Submission:

Labcorp Genetics (formerly Invitae), Labcorp
Classification: Uncertain significance for Aicardi-Goutieres syndrome 3. Last evaluated: 2022-07-05. Review status: criteria provided, single submitter. Criteria: Invitae Variant Classification Sherloc (09022015). Collection method: clinical testing. Allele origin: germline.
Comment: This sequence change replaces tyrosine, which is neutral and polar, with cysteine, which is neutral and slightly polar, at codon 82 of the RNASEH2C protein (p.Tyr82Cys). This variant is not present in population databases (gnomAD no frequency). This variant has not been reported in the literature in individuals affected with RNASEH2C-related conditions. ClinVar contains an entry for this variant (Variation ID: 1486367). Algorithms developed to predict the effect of missense changes on protein structure and function are either unavailable or do not agree on the potential impact of this missense change (SIFT: "Tolerated"; PolyPhen-2: "Probably Damaging"; Align-GVGD: "Class C35"). In summary, the available evidence is currently insufficient to determine the role of this variant in disease. Therefore, it has been classified as a Variant of Uncertain Significance.